The following is an entry in ClinVar:

NM_001170629.2(CHD8):c.2171T>G (p.Val724Gly)

Gene: CHD8 (chromodomain helicase DNA binding protein 8; minus strand). Cytogenetic location: 14q11.2.
Variant type: single nucleotide variant.
Coding change: c.2171T>G on transcript NM_001170629.2 (MANE Select); coding-DNA position 2171, T replaced by G.
Protein change: p.Val724Gly; replaces valine 724 with glycine.
Molecular consequence: missense variant.
Genome position (GRCh38, 1-based): chr14:21,412,968, A>C on the plus strand (T>G on the coding strand, the complement: CHD8 is on the minus strand). VCF-style: chr14-21412968-A-C. GRCh37 (hg19) VCF-style: chr14-21881127-A-C.
Other names: c.1334T>G, p.Val445Gly (NM_020920.4); short protein forms V445G, V724G.
Identifiers: ClinVar variation 2820801 (VCV002820801.3), dbSNP rs1888566322, ClinGen allele CA388877796.

ClinVar aggregate classification (germline): Uncertain significance (1 of 4 stars; one submission).

Submission:

Labcorp Genetics (formerly Invitae), Labcorp
Classification: Uncertain significance. Last evaluated: 2023-07-10. Review status: criteria provided, single submitter. Criteria: Invitae Variant Classification Sherloc (09022015). Collection method: clinical testing. Allele origin: germline.
Comment: In summary, the available evidence is currently insufficient to determine the role of this variant in disease. Therefore, it has been classified as a Variant of Uncertain Significance. Advanced modeling of protein sequence and biophysical properties (such as structural, functional, and spatial information, amino acid conservation, physicochemical variation, residue mobility, and thermodynamic stability) performed at Invitae indicates that this missense variant is expected to disrupt CHD8 protein function. This variant has not been reported in the literature in individuals affected with CHD8-related conditions. This variant is not present in population databases (gnomAD no frequency). This sequence change replaces valine, which is neutral and non-polar, with glycine, which is neutral and non-polar, at codon 724 of the CHD8 protein (p.Val724Gly).